The following is an entry in ClinVar:

ClinVar aggregate classification (germline): Likely pathogenic (1 of 4 stars; one submission).

Conditions:
DICER1-related tumor predisposition. Also called: DICER1 syndrome; DICER1-related pleuropulmonary blastoma cancer predisposition syndrome. Identifiers: Orphanet 284343, MedGen C3839822, MONDO:0100216.

Submission:

Labcorp Genetics (formerly Invitae), Labcorp
Classification: Likely pathogenic for DICER1-related tumor predisposition. Last evaluated: 2022-10-05. Review status: criteria provided, single submitter. Criteria: Invitae Variant Classification Sherloc (09022015). Collection method: clinical testing. Allele origin: germline.
Comment: In summary, the currently available evidence indicates that the variant is pathogenic, but additional data are needed to prove that conclusively. Therefore, this variant has been classified as Likely Pathogenic. Algorithms developed to predict the effect of sequence changes on RNA splicing suggest that this variant may disrupt the consensus splice site. This variant has not been reported in the literature in individuals affected with DICER1-related conditions. This variant is not present in population databases (gnomAD no frequency). This sequence change affects an acceptor splice site in intron 9 of the DICER1 gene. It is expected to disrupt RNA splicing. Variants that disrupt the donor or acceptor splice site typically lead to a loss of protein function (PMID: 16199547), and loss-of-function variants in DICER1 are known to be pathogenic (PMID: 19556464, 21266384).

Literature cited by the submitters: PubMed 16199547; PubMed 19556464; PubMed 21266384.

NM_177438.3(DICER1):c.1510-2A>G

Gene: DICER1 (dicer 1, ribonuclease III; minus strand). Cytogenetic location: 14q32.13.
Variant type: single nucleotide variant.
Coding change: c.1510-2A>G on transcript NM_177438.3 (MANE Select); the canonical splice acceptor site of the intron before coding-DNA position 1510, A replaced by G.
Molecular consequence: splice acceptor variant. On other transcripts: intron variant (1).
Genome position (GRCh38, 1-based): chr14:95,116,697, T>C on the plus strand (A>G on the coding strand, the complement: DICER1 is on the minus strand). VCF-style: chr14-95116697-T-C. GRCh37 (hg19) VCF-style: chr14-95583034-T-C.
Other names: c.1510-2A>G (NM_001291628.2, NM_030621.4, NM_001395677.1 and 12 more transcripts); c.1105-2A>G (NM_001395690.1, NM_001395687.1, NM_001395689.1 and 3 more transcripts); c.1228-2A>G (NM_001395686.1); c.943-2A>G (NM_001395691.1); c.-59-117A>G (NM_001395697.1).
Identifiers: ClinVar variation 2026326 (VCV002026326.4), dbSNP rs2543038200, ClinGen allele CA390885271.
Genomic context (GRCh38, chr14:95,116,697, plus strand): 5'-TCTACAATACTTGTTGCAATAAGCAGGTTGGTCTCATGTGCTCGAAATTTCCTAAGTACC[T>C]GAAAAAAAAAATCCACCAAGAAAAGCACTTCTAAGAAAATTTCTAAAATGAACAAAAAAA-3'